The following is an entry in ClinVar:

NM_000329.3(RPE65):c.617T>C (p.Ile206Thr)

Gene: RPE65 (retinoid isomerohydrolase RPE65; minus strand). Cytogenetic location: 1p31.3.
Variant type: single nucleotide variant.
Coding change: c.617T>C on transcript NM_000329.3 (MANE Select); coding-DNA position 617, T replaced by C.
Protein change: p.Ile206Thr; replaces isoleucine 206 with threonine.
Molecular consequence: missense variant.
Genome position (GRCh38, 1-based): chr1:68,440,879, A>G on the plus strand (T>C on the coding strand, the complement: RPE65 is on the minus strand). VCF-style: chr1-68440879-A-G. GRCh37 (hg19) VCF-style: chr1-68906562-A-G.
Other names: NM_000329.3(RPE65):c.617T>C; p.Ile206Thr; short protein forms I206T.
Identifiers: ClinVar variation 829832 (VCV000829832.16), dbSNP rs768445391, ClinGen allele CA902456.

ClinVar aggregate classification (germline): Pathogenic. Review status: reviewed by expert panel (3 of 4 stars). 6 submissions from 6 submitters: Pathogenic (1). 5 of the submissions do not count toward it. Last evaluated 2026-01-15.

Conditions:
RPE65-related recessive retinopathy. Also called: Recessive RPE65 retinopathy. Identifiers: MedGen CN305526, MONDO:0100368.
RPE65-related disorder. Also called: RPE65-related condition; RPE65-related disorders. Identifiers: MedGen CN239301.
Leber congenital amaurosis 2 (LCA2). Also called: AMAUROSIS CONGENITA OF LEBER II; Autosomal Recessive RPE65-Related Retinal Degeneration. Identifiers: Orphanet 65, MedGen C1859844, MONDO:0008765, OMIM 204100. Disease mechanism: loss of function.
Retinitis pigmentosa 20 (RP20). Identifiers: Orphanet 791, MedGen C3151086, MONDO:0013425, OMIM 613794.
Leber congenital amaurosis (LCA). Also called: Leber's amaurosis. Identifiers: Orphanet 65, MedGen C0339527, MeSH D057130, MONDO:0018998.
Retinitis pigmentosa 87 with choroidal involvement. Identifiers: MedGen C5231465, MONDO:0032873, OMIM 618697.

Allele frequency attached by ClinVar (database versions not stated): ExAC 0.00001; gnomAD exomes 0.00001; TOPMed 0.00002; gnomAD 0.00003 and 0.00004.
gnomAD v4.1: 13 of 1,613,918 alleles (0.00081%); highest among the groups gnomAD compares: African/African-American, 0.0027%; no homozygotes.

Submissions (6):

ClinGen Leber Congenital Amaurosis/early Onset Retinal Dystrophy Variant Curation Expert Panel, ClinGen
Classification: Pathogenic for RPE65-related recessive retinopathy. Last evaluated: 2026-01-15. Review status: reviewed by expert panel. Criteria: ClinGen LCAeoRD ACMG Specifications RPE65 V1.0.0. Collection method: curation. Allele origin: germline. Inheritance: Autosomal recessive inheritance.
Comment: NM_000329.3(RPE65):c.617T>C (p.Ile206Thr) is a missense variant causing substitution of isoleucine with threonine at amino acid 206. This variant is present in gnomAD v.4.1.0 at a GrpMax allele frequency of 0.000005000, with 11 alleles / 1,179,926 total alleles in the European (non-Finnish) population, which is lower than the ClinGen LCA / eoRD VCEP PM2_Supporting threshold of <0.0002 (PM2_Supporting). This variant has been reported in at least 1 proband with early-onset severe retinal dystrophy who was homozygous for the variant (0.5 pts, PMID:33369259). This variant has also been reported in at least 2 probands with early-onset severe retinal dystrophy who were compound heterozygous with either the NM_000329.3(RPE65):c.118G>A (p.Gly40Ser) variant or the NM_000329.3(RPE65):c.1102T>C, p.Tyr368His variant confirmed in trans (2 pts, PMID: 38002999, PMID: 32037395), which were previously classified pathogenic pathogenic by the ClinGen LCA / eoRD VCEP (2.5 total points, PM3_Strong). Additional compound heterozygous occurrences were noted with the NM_000329.3(RPE65):c.215T>C (p.Phe72Ser) variant or the NM_000329.3(RPE65):c.74C>T (p.Pro25Leu) variant suspected in trans (VCEP member-provided data). At least one proband harboring this variant exhibits a phenotype including early onset of symptoms and additional retinal features totaling 9.5 phenotype points, which together are highly specific for RPE65-related recessive retinopathy (Clinician-provided data, PP4_Moderate). The variant has been reported to segregate with childhood-onset severe retinal dystrophy through the proband plus 1 similarly affected relative, with the variant present in the compound heterozygous state (PP1; PMID:3207395 and additional notes from clinician). The computational predictor REVEL gives a score of 0.91, which is above the ClinGen LCA/eoRD VCEP threshold of ≥0.773 and predicts a damaging effect on RPE65 function (PP3_Moderate). In summary, this variant meets the criteria to be classified as Pathogenic for RPE65-related recessive retinopathy based on the ACMG/AMP criteria applied, as specified by the ClinGen LCA/eoRD VCEP: PM2_Supporting, PM3_Strong, PP4_Moderate, PP1, and PP3_Moderate. (VCEP specifications version 1.0.0; date of approval 09/21/2023).

Natera, Inc.
Classification: Likely pathogenic for Leber congenital amaurosis. Last evaluated: 2025-11-21. Review status: criteria provided, single submitter. Criteria: Natera Variant Classification Schema (03/2026). Collection method: clinical testing. Allele origin: germline. Not counted in ClinVar's aggregate classification.
Comment: The c.617T>C variant in RPE65 is a missense variant predicted to cause substitution of isoleucine to threonine at amino acid 206. This variant is rare in the general population with a frequency below the threshold expected for the associated phenotype(s). This variant has been observed in one or more individuals affected with the associated recessive disease, as either homozygous or compound heterozygous with a second variant (PMID: 38002999, 32037395). Computational prediction algorithms indicate this variant is likely to affect gene or protein function. Given the available evidence, this variant is classified as Likely Pathogenic.

Labcorp Genetics (formerly Invitae), Labcorp
Classification: Likely pathogenic for Leber congenital amaurosis 2; Retinitis pigmentosa 20. Last evaluated: 2024-12-16. Review status: criteria provided, single submitter. Criteria: Invitae Variant Classification Sherloc (09022015). Collection method: clinical testing. Allele origin: germline. Not counted in ClinVar's aggregate classification.
Comment: This sequence change replaces isoleucine, which is neutral and non-polar, with threonine, which is neutral and polar, at codon 206 of the RPE65 protein (p.Ile206Thr). This variant is present in population databases (rs768445391, gnomAD 0.003%). This missense change has been observed in individuals with clinical features of autosomal recessive inherited retinal dystrophy (PMID: 32037395; internal data). ClinVar contains an entry for this variant (Variation ID: 829832). Invitae Evidence Modeling of protein sequence and biophysical properties (such as structural, functional, and spatial information, amino acid conservation, physicochemical variation, residue mobility, and thermodynamic stability) indicates that this missense variant is not expected to disrupt RPE65 protein function with a negative predictive value of 80%. In summary, the currently available evidence indicates that the variant is pathogenic, but additional data are needed to prove that conclusively. Therefore, this variant has been classified as Likely Pathogenic.

Fulgent Genetics
Classification: Likely pathogenic for Leber congenital amaurosis 2; Retinitis pigmentosa 20; Retinitis pigmentosa 87 with choroidal involvement. Last evaluated: 2024-02-19. Review status: criteria provided, single submitter. Criteria: ACMG Guidelines, 2015. Collection method: clinical testing. Allele origin: germline. Not counted in ClinVar's aggregate classification.

Blueprint Genetics
Classification: Pathogenic for RPE65-related disorders. Last evaluated: 2022-09-29. Review status: criteria provided, single submitter. Criteria: ACMG Guidelines, 2015. Collection method: clinical testing. Allele origin: germline. Affected: yes. Observed: 4 variant alleles. Not counted in ClinVar's aggregate classification.

Bioscientia Institut fuer Medizinische Diagnostik GmbH, Sonic Healthcare
Classification: Likely pathogenic for Retinitis pigmentosa 20. Last evaluated: 2019-04-09. Review status: no assertion criteria provided. Collection method: clinical testing. Allele origin: germline. Affected: yes. Not counted in ClinVar's aggregate classification.

Literature cited by the submitters: PubMed 38002999 (cited by Natera, Inc.); PubMed 32037395 (cited by Natera, Inc. and Labcorp Genetics (formerly Invitae), Labcorp).